The following is an entry in ClinVar:

NM_022437.3(ABCG8):c.1288del (p.Thr430fs)

Gene: ABCG8 (ATP binding cassette subfamily G member 8; plus strand). Cytogenetic location: 2p21.
Variant type: Deletion.
Coding change: c.1288del on transcript NM_022437.3 (MANE Select); coding-DNA position 1288, one base deleted (A; older notation c.1288delA).
Protein change: p.Thr430fs; shifts the reading frame from threonine 430.
Molecular consequence: frameshift variant.
Genome position (GRCh38, 1-based): chr2:43,873,863, A deleted. VCF-style (leftmost placement, unchanged base first): chr2-43873862-GA-G. GRCh37 (hg19) VCF-style: chr2-44101001-GA-G.
Other names: c.1285del, p.Thr429fs (NM_001357321.2); short protein forms T429fs, T430fs.
Identifiers: ClinVar variation 2821437 (VCV002821437.3), dbSNP rs2466277676, ClinGen allele CA2739274343.

ClinVar aggregate classification (germline): Pathogenic (1 of 4 stars; one submission).

Submission:

Labcorp Genetics (formerly Invitae), Labcorp
Classification: Pathogenic. Last evaluated: 2022-12-16. Review status: criteria provided, single submitter. Criteria: Invitae Variant Classification Sherloc (09022015). Collection method: clinical testing. Allele origin: germline.
Comment: For these reasons, this variant has been classified as Pathogenic. This variant has not been reported in the literature in individuals affected with ABCG8-related conditions. This variant is not present in population databases (gnomAD no frequency). This sequence change creates a premature translational stop signal (p.Thr430Profs*25) in the ABCG8 gene. It is expected to result in an absent or disrupted protein product. Loss-of-function variants in ABCG8 are known to be pathogenic (PMID: 11452359, 15375183, 16029460).

Literature cited by the submitters: PubMed 11452359; PubMed 15375183; PubMed 16029460.